The following is an entry in ClinVar:

ClinVar aggregate classification (germline): Uncertain significance (1 of 4 stars; one submission).

Allele frequency attached by ClinVar (database versions not stated): gnomAD 0.00001.
gnomAD v4.1: 1 of 1,613,606 alleles (0.000062%); highest among the groups gnomAD compares: African/African-American, 0.0013%; no homozygotes.

Submission:

Labcorp Genetics (formerly Invitae), Labcorp
Classification: Uncertain significance. Last evaluated: 2022-03-22. Review status: criteria provided, single submitter. Criteria: Invitae Variant Classification Sherloc (09022015). Collection method: clinical testing. Allele origin: germline.
Comment: This sequence change replaces tryptophan, which is neutral and slightly polar, with cysteine, which is neutral and slightly polar, at codon 1188 of the TTLL5 protein (p.Trp1188Cys). This variant is not present in population databases (gnomAD no frequency). This variant has not been reported in the literature in individuals affected with TTLL5-related conditions. Algorithms developed to predict the effect of missense changes on protein structure and function are either unavailable or do not agree on the potential impact of this missense change (SIFT: "Tolerated"; PolyPhen-2: "Possibly Damaging"; Align-GVGD: "Class C0"). In summary, the available evidence is currently insufficient to determine the role of this variant in disease. Therefore, it has been classified as a Variant of Uncertain Significance.

NM_015072.5(TTLL5):c.3564G>T (p.Trp1188Cys)

Gene: TTLL5 (tubulin tyrosine ligase like 5; plus strand). Cytogenetic location: 14q24.3.
Variant type: single nucleotide variant.
Coding change: c.3564G>T on transcript NM_015072.5 (MANE Select); coding-DNA position 3564, G replaced by T.
Protein change: p.Trp1188Cys; replaces tryptophan 1188 with cysteine.
Molecular consequence: missense variant.
Genome position (GRCh38, 1-based): chr14:75,882,726, G>T. VCF-style: chr14-75882726-G-T. GRCh37 (hg19) VCF-style: chr14-76349069-G-T.
Other names: short protein forms W1188C.
Identifiers: ClinVar variation 1934231 (VCV001934231.4), dbSNP rs976175960, ClinGen allele CA263973231.